The following is an entry in ClinVar:

NM_000444.6(PHEX):c.2084C>G (p.Ser695Cys)

Genes: PHEX (phosphate regulating endopeptidase X-linked; plus strand), PTCHD1-AS (PTCHD1 and PHEX antisense RNA; minus strand). Cytogenetic location: Xp22.11.
Variant type: single nucleotide variant.
Coding change: c.2084C>G on transcript NM_000444.6 (MANE Select); coding-DNA position 2084, C replaced by G.
Protein change: p.Ser695Cys; replaces serine 695 with cysteine.
Molecular consequence: missense variant. On other transcripts: intron variant (1).
Genome position (GRCh38, 1-based): chrX:22,245,346, C>G. VCF-style: chrX-22245346-C-G. GRCh37 (hg19) VCF-style: chrX-22263463-C-G.
Other names: c.2071-2505C>G (NM_001282754.2); short protein forms S695C.
Identifiers: ClinVar variation 1368659 (VCV001368659.6), dbSNP rs1020905350, ClinGen allele CA412575192.

ClinVar aggregate classification (germline): Uncertain significance (1 of 4 stars; one submission).

Submission:

Labcorp Genetics (formerly Invitae), Labcorp
Classification: Uncertain significance. Last evaluated: 2024-10-24. Review status: criteria provided, single submitter. Criteria: Invitae Variant Classification Sherloc (09022015). Collection method: clinical testing. Allele origin: germline.
Comment: This sequence change replaces serine, which is neutral and polar, with cysteine, which is neutral and slightly polar, at codon 695 of the PHEX protein (p.Ser695Cys). This variant is not present in population databases (gnomAD no frequency). This variant has not been reported in the literature in individuals affected with PHEX-related conditions. ClinVar contains an entry for this variant (Variation ID: 1368659). Invitae Evidence Modeling of protein sequence and biophysical properties (such as structural, functional, and spatial information, amino acid conservation, physicochemical variation, residue mobility, and thermodynamic stability) indicates that this missense variant is expected to disrupt PHEX protein function with a positive predictive value of 80%. In summary, the available evidence is currently insufficient to determine the role of this variant in disease. Therefore, it has been classified as a Variant of Uncertain Significance.